The following is an entry in ClinVar:

NM_033026.6(PCLO):c.5727_5735del (p.Ala1910_Lys1912del)

Gene: PCLO (piccolo presynaptic cytomatrix protein; minus strand). Cytogenetic location: 7q21.11.
Variant type: Deletion.
Coding change: c.5727_5735del on transcript NM_033026.6 (MANE Select); coding-DNA positions 5727 to 5735, 9 bases deleted (GGCGTTAAA; older notation c.5727_5735delGGCGTTAAA).
Protein change: p.Ala1910_Lys1912del.
Molecular consequence: inframe deletion.
Genome position (GRCh38, 1-based): chr7:82,955,218-82,955,226, TTTAACGCC deleted on the plus strand (GGCGTTAAA on the coding strand, the reverse complement: PCLO is on the minus strand); deleting any 9 consecutive bases within chr7:82,955,218-82,955,229 gives the same sequence; the c. name uses the placement nearest the transcript's 3' end. VCF-style (leftmost placement, unchanged base first): chr7-82955217-TTTTAACGCC-T. GRCh37 (hg19) VCF-style: chr7-82584533-TTTTAACGCC-T.
Other names: c.5727_5735del, p.Ala1910_Lys1912del (NM_014510.3).
Identifiers: ClinVar variation 1518306 (VCV001518306.8), dbSNP rs747190645, ClinGen allele CA4320593.
Genomic context (GRCh38, chr7:82,955,217, plus strand): 5'-TGGAAAAGCTTTGTATTTGTGTGTTTTATGCATCATTTCTTCATACATCTCCTCAGCACT[TTTTAACGCC>T]TTTTGGCTACCTTCTTTCTGCATAATAGATTGCTCATCTGTTGGTGAGTATAATGAAACA-3'

ClinVar aggregate classification (germline): Uncertain significance (1 of 4 stars; one submission).

Submission:

Labcorp Genetics (formerly Invitae), Labcorp
Classification: Uncertain significance. Last evaluated: 2021-07-09. Review status: criteria provided, single submitter. Criteria: Invitae Variant Classification Sherloc (09022015). Collection method: clinical testing. Allele origin: germline.
Comment: In summary, the available evidence is currently insufficient to determine the role of this variant in disease. Therefore, it has been classified as a Variant of Uncertain Significance. Experimental studies and prediction algorithms are not available or were not evaluated, and the functional significance of this variant is currently unknown. This variant has not been reported in the literature in individuals affected with PCLO-related conditions. The frequency data for this variant in the population databases is considered unreliable, as metrics indicate poor data quality at this position in the ExAC database. This variant, c.5727_5735del, results in the deletion of 3 amino acid(s) of the PCLO protein (p.Ala1910_Lys1912del), but otherwise preserves the integrity of the reading frame.